The following is an entry in ClinVar:

NM_001101362.3(KBTBD13):c.542A>C (p.Asp181Ala)

Gene: KBTBD13 (kelch repeat and BTB domain containing 13; plus strand). Cytogenetic location: 15q22.31.
Variant type: single nucleotide variant.
Coding change: c.542A>C on transcript NM_001101362.3 (MANE Select); coding-DNA position 542, A replaced by C.
Protein change: p.Asp181Ala; replaces aspartic acid 181 with alanine.
Molecular consequence: missense variant.
Genome position (GRCh38, 1-based): chr15:65,077,357, A>C. VCF-style: chr15-65077357-A-C. GRCh37 (hg19) VCF-style: chr15-65369695-A-C.
Other names: short protein forms D181A.
Identifiers: ClinVar variation 643197 (VCV000643197.8), dbSNP rs1386416146, ClinGen allele CA392861400.

ClinVar aggregate classification (germline): Uncertain significance (1 of 4 stars; one submission).

Conditions:
Nemaline myopathy 6 (NEM6). Also called: Nemaline myopathy 6, autosomal dominant. Identifiers: Orphanet 171439, MedGen C1836472, MONDO:0012237, OMIM 609273.

Allele frequency attached by ClinVar (database versions not stated): gnomAD exomes 0.00001.
gnomAD v4.1: 2 of 1,500,232 alleles (0.00013%); highest among the groups gnomAD compares: Admixed American, 0.0021%; no homozygotes.

Submission:

Labcorp Genetics (formerly Invitae), Labcorp
Classification: Uncertain significance for Nemaline myopathy 6. Last evaluated: 2022-03-18. Review status: criteria provided, single submitter. Criteria: Invitae Variant Classification Sherloc (09022015). Collection method: clinical testing. Allele origin: germline.
Comment: This sequence change replaces aspartic acid, which is acidic and polar, with alanine, which is neutral and non-polar, at codon 181 of the KBTBD13 protein (p.Asp181Ala). This variant is present in population databases (no rsID available, gnomAD 0.005%). This variant has not been reported in the literature in individuals affected with KBTBD13-related conditions. ClinVar contains an entry for this variant (Variation ID: 643197). Algorithms developed to predict the effect of missense changes on protein structure and function are either unavailable or do not agree on the potential impact of this missense change (SIFT: "Deleterious"; PolyPhen-2: "Probably Damaging"; Align-GVGD: "Class C0"). In summary, the available evidence is currently insufficient to determine the role of this variant in disease. Therefore, it has been classified as a Variant of Uncertain Significance.